The following is an entry in ClinVar:

ClinVar aggregate classification (germline): Likely benign. Review status: criteria provided, multiple submitters, no conflicts (2 of 4 stars). 4 submissions from 4 submitters: Likely benign (3). 1 of the submissions does not count toward it. Last evaluated 2025-08-01.

Conditions:
PKD1-related disorder. Also called: PKD1-related condition.
Polycystic kidney disease, adult type (PKD1). Also called: POLYCYSTIC KIDNEY DISEASE 1 WITH OR WITHOUT POLYCYSTIC LIVER DISEASE; Polycystic Kidney Disease 1, Autosomal Dominant; Polycystic kidney disease 1; Polycystic kidney disease 1, severe; Polycystic Kidney, Autosomal Dominant; POLYCYSTIC KIDNEY DISEASE, ADULT, TYPE I. Identifiers: MedGen C3149841, MONDO:0008263, OMIM 173900.

Allele frequency attached by ClinVar (database versions not stated): TOPMed 0.00008.
gnomAD v4.1: 196 of 1,559,122 alleles (0.013%); highest among the groups gnomAD compares: Middle Eastern, 0.038%; no homozygotes.

Submissions (4):

CeGaT Center for Human Genetics Tuebingen
Classification: Likely benign. Last evaluated: 2025-08-01. Review status: criteria provided, single submitter. Criteria: CeGaT Center For Human Genetics Tuebingen Variant Classification Criteria Version 2. Collection method: clinical testing. Allele origin: germline. Affected: yes. Observed: 2 variant alleles.
Comment: PKD1: BP4

Blueprint Genetics
Classification: Likely benign. Last evaluated: 2024-10-15. Review status: criteria provided, single submitter. Criteria: ACMG Guidelines, 2015. Collection method: clinical testing. Allele origin: germline.

Fulgent Genetics
Classification: Likely benign for Polycystic kidney disease, adult type. Last evaluated: 2021-09-13. Review status: criteria provided, single submitter. Criteria: ACMG Guidelines, 2015. Collection method: clinical testing. Allele origin: unknown.

PreventionGenetics, part of Exact Sciences
Classification: Likely benign for PKD1-related condition. Last evaluated: 2019-05-28. Review status: no assertion criteria provided. Collection method: clinical testing. Allele origin: germline. Not counted in ClinVar's aggregate classification.
Comment: This variant is classified as likely benign based on ACMG/AMP sequence variant interpretation guidelines (Richards et al. 2015 PMID: 25741868, with internal and published modifications).

NM_001009944.3(PKD1):c.11538-4G>T

Genes: PKD1 (polycystin 1, transient receptor potential channel interacting; minus strand), PKD1-AS1 (PKD1 antisense RNA 1; plus strand). Cytogenetic location: 16p13.3.
Variant type: single nucleotide variant.
Coding change: c.11538-4G>T on transcript NM_001009944.3 (MANE Select); 4 bases into the intron before coding-DNA position 11538, G replaced by T.
Molecular consequence: intron variant. On other transcripts: non-coding transcript variant (1).
Genome position (GRCh38, 1-based): chr16:2,091,601, C>A on the plus strand (G>T on the coding strand, the complement: PKD1 is on the minus strand). VCF-style: chr16-2091601-C-A. GRCh37 (hg19) VCF-style: chr16-2141602-C-A.
Other names: c.11535-4G>T (NM_000296.4).
Identifiers: ClinVar variation 256906 (VCV000256906.14), dbSNP rs763279854, ClinGen allele CA7829042.